The following is an entry in ClinVar:

ClinVar aggregate classification (germline): Pathogenic/Likely pathogenic. Review status: criteria provided, multiple submitters, no conflicts (2 of 4 stars). 3 submissions from 3 submitters: Pathogenic (2); Likely pathogenic (1). Last evaluated 2025-09-23.

Conditions:
Cardiovascular phenotype. Identifiers: MedGen CN230736.
Hypertrophic cardiomyopathy. Also called: HYPERTROPHIC MYOCARDIOPATHY. Identifiers: Orphanet 217569, MedGen C0007194, MeSH D002312, MONDO:0005045, HP:0001639.

Allele frequency attached by ClinVar (database versions not stated): ExAC 0.00002.

Submissions (3):

Ambry Genetics
Classification: Pathogenic for Cardiovascular phenotype. Last evaluated: 2025-09-23. Review status: criteria provided, single submitter. Criteria: Ambry Variant Classification Scheme 2023. Collection method: clinical testing. Allele origin: germline.
Comment: The p.R428* pathogenic mutation (also known as c.1282C>T), located in coding exon 5 of the ALPK3 gene, results from a C to T substitution at nucleotide position 1282. This changes the amino acid from an arginine to a stop codon within coding exon 5. This variant was reported in individual(s) with features consistent with hypertrophic cardiomyopathy (Ader F et al. Clin Genet, 2024 Jun;105:676-682). Note, this variant is also referred to as NM_020778.5:c.676C>T p.(Arg226*) in the literature. This variant is considered to be rare based on population cohorts in the Genome Aggregation Database (gnomAD). This alteration is expected to result in loss of function by premature protein truncation or nonsense-mediated mRNA decay. As such, this alteration is interpreted as a disease-causing mutation.

Clinical Genetics Laboratory, Region Ostergotland
Classification: Likely pathogenic for Hypertrophic cardiomyopathy. Last evaluated: 2024-04-12. Review status: criteria provided, single submitter. Criteria: ACMG Guidelines, 2015. Collection method: clinical testing. Allele origin: germline. Affected: yes.
Comment: The variant is found in gnomAD v4.1.0 (<0.001% NFE). Heterozygous loss of function variants in ALPK3 have been found to associate with hypertrophic cardiomyopathy (PMID: 34263907). Based on this information, the following ACMG/AMP criteria were applied in classifying this variant: PVS1, PM2

Labcorp Genetics (formerly Invitae), Labcorp
Classification: Pathogenic. Last evaluated: 2022-05-12. Review status: criteria provided, single submitter. Criteria: Invitae Variant Classification Sherloc (09022015). Collection method: clinical testing. Allele origin: germline.
Comment: The frequency data for this variant in the population databases is considered unreliable, as metrics indicate poor data quality at this position in the gnomAD database. This variant has not been reported in the literature in individuals affected with ALPK3-related conditions. Algorithms developed to predict the effect of sequence changes on RNA splicing suggest that this variant may create or strengthen a splice site. For these reasons, this variant has been classified as Pathogenic. This sequence change creates a premature translational stop signal (p.Arg428*) in the ALPK3 gene. It is expected to result in an absent or disrupted protein product. Loss-of-function variants in ALPK3 are known to be pathogenic (PMID: 21441111, 26846950, 27106955, 34263907).

Literature cited by the submitters: PubMed 38356193 (cited by Ambry Genetics); PubMed 21441111 (cited by Labcorp Genetics (formerly Invitae), Labcorp); PubMed 26846950 (cited by Labcorp Genetics (formerly Invitae), Labcorp); PubMed 27106955 (cited by Labcorp Genetics (formerly Invitae), Labcorp); PubMed 34263907 (cited by Labcorp Genetics (formerly Invitae), Labcorp).

NM_020778.5(ALPK3):c.676C>T (p.Arg226Ter)

Gene: ALPK3 (alpha kinase 3; plus strand). Cytogenetic location: 15q25.3.
Variant type: single nucleotide variant.
Coding change: c.676C>T on transcript NM_020778.5 (MANE Select); coding-DNA position 676, C replaced by T.
Protein change: p.Arg226Ter; replaces arginine 226 with a stop codon.
Molecular consequence: nonsense.
Genome position (GRCh38, 1-based): chr15:84,839,955, C>T. VCF-style: chr15-84839955-C-T. GRCh37 (hg19) VCF-style: chr15-85383186-C-T.
Other names: c.1282C>T (NM_020778.4); short protein forms R226*.
Identifiers: ClinVar variation 1441364 (VCV001441364.9), dbSNP rs749836697, ClinGen allele CA7709037.